The following is an entry in ClinVar:

ClinVar aggregate classification (germline): Likely pathogenic (1 of 4 stars; one submission).

Conditions:
Hereditary cancer-predisposing syndrome. Also called: Neoplastic Syndromes, Hereditary; Tumor predisposition; Hereditary Cancer Syndrome; Hereditary neoplastic syndrome. Identifiers: Orphanet 140162, MedGen C0027672, MeSH D009386, MONDO:0015356.

Submission:

Ambry Genetics
Classification: Likely pathogenic for Hereditary cancer-predisposing syndrome. Last evaluated: 2026-05-27. Review status: criteria provided, single submitter. Criteria: Ambry Variant Classification Scheme 2023. Collection method: clinical testing. Allele origin: germline.
Comment: The c.3946_3964del19 variant, located in coding exon 9 of the MSH6 gene, results from a deletion of 19 nucleotides at nucleotide positions 3946 to 3964, causing a translational frameshift with a predicted alternate stop codon (p.G1316Nfs*5). This alteration occurs at the 3' terminus of theMSH6 gene, is not expected to trigger nonsense-mediated mRNA decay, and impacts the last 3.3% of the protein. However, premature stop codons are typically deleterious in nature and the impacted region is critical for protein function (Ambry internal data). This variant is considered to be rare based on population cohorts in the Genome Aggregation Database (gnomAD). Based on the majority of available evidence to date, this variant is likely to be pathogenic.

NM_000179.3(MSH6):c.3946_3964del (p.Gly1316fs)

Gene: MSH6 (mutS homolog 6; plus strand). Cytogenetic location: 2p16.3.
Variant type: Deletion.
Coding change: c.3946_3964del on transcript NM_000179.3 (MANE Select); coding-DNA positions 3946 to 3964, 19 bases deleted (GGACATAGAAAAGCAAGAG).
Protein change: p.Gly1316fs; shifts the reading frame from glycine 1316.
Molecular consequence: frameshift variant. On other transcripts: non-coding transcript variant (5), intron variant (1).
Genome position (GRCh38, 1-based): chr2:47,806,596-47,806,614, GGACATAGAAAAGCAAGAG deleted; deleting any 19 consecutive bases within chr2:47,806,594-47,806,614 gives the same sequence; the c. name uses the placement nearest the transcript's 3' end. VCF-style (leftmost placement, unchanged base first): chr2-47806593-AAGGGACATAGAAAAGCAAG-A. GRCh37 (hg19) VCF-style: chr2-48033732-AAGGGACATAGAAAAGCAAG-A.
Other names: c.3556_3574del, p.Gly1186fs (NM_001281492.2); c.3040_3058del, p.Gly1014fs (NM_001281493.2, NM_001281494.2, NM_001406811.1 and 6 more transcripts); c.4042_4060del, p.Gly1348fs (NM_001406795.1); c.3946_3964del, p.Gly1316fs (NM_001406796.1, NM_001406808.1, NM_001406809.1); c.3649_3667del, p.Gly1217fs (NM_001406797.1, NM_001406801.1, NM_001406805.1 and 10 more transcripts); c.3772_3790del, p.Gly1258fs (NM_001406798.1); c.3421_3439del, p.Gly1141fs (NM_001406799.1, NM_001406806.1, NM_001406807.1); c.3933_3951del, p.Asp1312fs (NM_001406800.1); and 9 more; short protein forms D1312fs, G1014fs, G1028fs, G1141fs, G1186fs, G1217fs, G1258fs, G1260fs.
Identifiers: ClinVar variation 4860419 (VCV004860419.1).
Genomic context (GRCh38, chr2:47,806,593, plus strand): 5'-CCTAAAAGCTATGGCTTTAATGCAGCAAGGCTTGCTAATCTCCCAGAGGAAGTTATTCAA[AAGGGACATAGAAAAGCAAG>A]AGAATTTGAGAAGATGAATCAGTCACTACGATTATTTCGGTAACTAACTAACTATAATGG-3'